The following is an entry in ClinVar:

NM_017570.5(OPLAH):c.1535+3G>T

Gene: OPLAH (5-oxoprolinase, ATP-hydrolysing; minus strand). Cytogenetic location: 8q24.3.
Variant type: single nucleotide variant.
Coding change: c.1535+3G>T on transcript NM_017570.5 (MANE Select); 3 bases into the intron after coding-DNA position 1535, G replaced by T.
Molecular consequence: intron variant.
Genome position (GRCh38, 1-based): chr8:144,057,205, C>A on the plus strand (G>T on the coding strand, the complement: OPLAH is on the minus strand). VCF-style: chr8-144057205-C-A. GRCh37 (hg19) VCF-style: chr8-145112108-C-A.
Identifiers: ClinVar variation 2076686 (VCV002076686.2), dbSNP rs782820219, ClinGen allele CA4931824.

ClinVar aggregate classification (germline): Uncertain significance (1 of 4 stars; one submission).

Conditions:
5-Oxoprolinase deficiency (OPLAHD). Also called: 5-OXOPROLINURIA DUE TO 5-OXOPROLINASE DEFICIENCY. Identifiers: Orphanet 33572, MedGen C0268525, MONDO:0009825, OMIM 260005, HP:0040142.

Allele frequency attached by ClinVar (database versions not stated): TOPMed 0.00003; ExAC 0.00004; gnomAD 0.00005; gnomAD exomes 0.00006; 1000 Genomes Project 30x 0.00016.

Submission:

Labcorp Genetics (formerly Invitae), Labcorp
Classification: Uncertain significance for 5-Oxoprolinase deficiency. Last evaluated: 2022-04-19. Review status: criteria provided, single submitter. Criteria: Invitae Variant Classification Sherloc (09022015). Collection method: clinical testing. Allele origin: germline.
Comment: This sequence change falls in intron 11 of the OPLAH gene. It does not directly change the encoded amino acid sequence of the OPLAH protein. It affects a nucleotide within the consensus splice site. This variant is present in population databases (rs782820219, gnomAD 0.008%). This variant has not been reported in the literature in individuals affected with OPLAH-related conditions. Variants that disrupt the consensus splice site are a relatively common cause of aberrant splicing (PMID: 17576681, 9536098). Algorithms developed to predict the effect of sequence changes on RNA splicing suggest that this variant is not likely to affect RNA splicing. In summary, the available evidence is currently insufficient to determine the role of this variant in disease. Therefore, it has been classified as a Variant of Uncertain Significance.

Literature cited by the submitters: PubMed 17576681; PubMed 9536098.